The following is an entry in ClinVar:

ClinVar aggregate classification (germline): Uncertain significance (0 of 4 stars; one submission).

Conditions:
PLXNA1-related disorder. Also called: PLXNA1-related condition.

Submission:

PreventionGenetics, part of Exact Sciences
Classification: Uncertain significance for PLXNA1-related condition. Last evaluated: 2024-03-11. Review status: no assertion criteria provided. Collection method: clinical testing. Allele origin: germline.
Comment: The PLXNA1 c.5118C>G variant is predicted to result in the amino acid substitution p.His1706Gln. To our knowledge, this variant has not been reported in the literature or in a large population database, indicating this variant is rare. At this time, the clinical significance of this variant is uncertain due to the absence of conclusive functional and genetic evidence.

NM_032242.4(PLXNA1):c.5118C>G (p.His1706Gln)

Gene: PLXNA1 (plexin A1; plus strand). Cytogenetic location: 3q21.3.
Variant type: single nucleotide variant.
Coding change: c.5118C>G on transcript NM_032242.4 (MANE Select); coding-DNA position 5118, C replaced by G.
Protein change: p.His1706Gln; replaces histidine 1706 with glutamine.
Molecular consequence: missense variant.
Genome position (GRCh38, 1-based): chr3:127,030,299, C>G. VCF-style: chr3-127030299-C-G. GRCh37 (hg19) VCF-style: chr3-126749142-C-G.
Other names: short protein forms H1706Q.
Identifiers: ClinVar variation 3351214 (VCV003351214.1).